The following is an entry in ClinVar:

NM_203447.4(DOCK8):c.5582C>T (p.Ala1861Val)

Gene: DOCK8 (dedicator of cytokinesis 8; plus strand). Cytogenetic location: 9p24.3.
Variant type: single nucleotide variant.
Coding change: c.5582C>T on transcript NM_203447.4 (MANE Select); coding-DNA position 5582, C replaced by T.
Protein change: p.Ala1861Val; replaces alanine 1861 with valine.
Molecular consequence: missense variant.
Genome position (GRCh38, 1-based): chr9:446,371, C>T. VCF-style: chr9-446371-C-T. GRCh37 (hg19) VCF-style: chr9-446371-C-T.
Other names: c.5282C>T, p.Ala1761Val (NM_001190458.2); c.5378C>T, p.Ala1793Val (NM_001193536.2); short protein forms A1761V, A1793V, A1861V.
Identifiers: ClinVar variation 1409483 (VCV001409483.6), dbSNP rs764947516, ClinGen allele CA4959489.
Genomic context (GRCh38, chr9:446,371, plus strand): 5'-TCAGGGATGGCCGTTTGCAGAATAGCTCATCTTCTCCCTCCGTGCCTTTTCCCCCTTAGG[C>T]CTACATACAGATCACTTTTGTGGAGCCCTACTTTGATGAGTATGAGATGAAAGACAGGGT-3'
Protein context (NP_982272.2, residues 1851-1871): VDKTKLDPNK[Ala1861Val]YIQITFVEPY

ClinVar aggregate classification (germline): Uncertain significance (1 of 4 stars; one submission).

Conditions:
Combined immunodeficiency due to DOCK8 deficiency (HIES2). Also called: HYPER-IgE RECURRENT INFECTION SYNDROME 2, AUTOSOMAL RECESSIVE; HYPER-IgE SYNDROME 2, AUTOSOMAL RECESSIVE, WITH RECURRENT INFECTIONS; HIES autosomal recessive; DOCK8 Deficiency; Hyper-IgE recurrent infection syndrome, autosomal recessive. Identifiers: Orphanet 217390, MedGen C4722305, MONDO:0009478, OMIM 243700.

Allele frequency attached by ClinVar (database versions not stated): gnomAD exomes below 0.00001 and 0.00001; ExAC 0.00001; TOPMed 0.00001.
gnomAD v4.1: 3 of 1,613,526 alleles (0.00019%); highest among the groups gnomAD compares: Middle Eastern, 0.017%; no homozygotes.

Submission:

Labcorp Genetics (formerly Invitae), Labcorp
Classification: Uncertain significance for Combined immunodeficiency due to DOCK8 deficiency. Last evaluated: 2024-10-16. Review status: criteria provided, single submitter. Criteria: Invitae Variant Classification Sherloc (09022015). Collection method: clinical testing. Allele origin: germline.
Comment: This sequence change replaces alanine, which is neutral and non-polar, with valine, which is neutral and non-polar, at codon 1861 of the DOCK8 protein (p.Ala1861Val). This variant is present in population databases (rs764947516, gnomAD 0.002%). This variant has not been reported in the literature in individuals affected with DOCK8-related conditions. ClinVar contains an entry for this variant (Variation ID: 1409483). An algorithm developed to predict the effect of missense changes on protein structure and function (PolyPhen-2) suggests that this variant is likely to be disruptive. In summary, the available evidence is currently insufficient to determine the role of this variant in disease. Therefore, it has been classified as a Variant of Uncertain Significance.